The following is an entry in ClinVar:

NM_007194.4(CHEK2):c.746A>C (p.Lys249Thr)

Gene: CHEK2 (checkpoint kinase 2; minus strand). Cytogenetic location: 22q12.1.
Variant type: single nucleotide variant.
Coding change: c.746A>C on transcript NM_007194.4 (MANE Select); coding-DNA position 746, A replaced by C.
Protein change: p.Lys249Thr; replaces lysine 249 with threonine.
Molecular consequence: missense variant.
Genome position (GRCh38, 1-based): chr22:28,711,955, T>G on the plus strand (A>C on the coding strand, the complement: CHEK2 is on the minus strand). VCF-style: chr22-28711955-T-G. GRCh37 (hg19) VCF-style: chr22-29107943-T-G.
Other names: c.875A>C, p.Lys292Thr (NM_001005735.3, NM_001438294.1); c.83A>C, p.Lys28Thr (NM_001257387.3, NM_001437942.1); c.545A>C, p.Lys182Thr (NM_001349956.3); c.839A>C, p.Lys280Thr (NM_001438293.1, NM_001438295.1); c.746A>C, p.Lys249Thr (NM_145862.3); short protein forms K249T, K28T, K280T, K292T, K182T.
Identifiers: ClinVar variation 4834045 (VCV004834045.1).

ClinVar aggregate classification (germline): Uncertain significance (1 of 4 stars; one submission).

Conditions:
Hereditary cancer-predisposing syndrome. Also called: Neoplastic Syndromes, Hereditary; Tumor predisposition; Hereditary Cancer Syndrome; Hereditary neoplastic syndrome. Identifiers: Orphanet 140162, MedGen C0027672, MeSH D009386, MONDO:0015356.

Submission:

Ambry Genetics
Classification: Uncertain significance for Hereditary cancer-predisposing syndrome. Last evaluated: 2026-02-11. Review status: criteria provided, single submitter. Criteria: Ambry Variant Classification Scheme 2023. Collection method: clinical testing. Allele origin: germline.
Comment: The p.K249T variant (also known as c.746A>C), located in coding exon 5 of the CHEK2 gene, results from an A to C substitution at nucleotide position 746. The lysine at codon 249 is replaced by threonine, an amino acid with similar properties. This amino acid position is highly conserved in available vertebrate species. In addition, this alteration is predicted to be deleterious by in silico analysis. Based on the available evidence, the clinical significance of this variant remains unclear.